The following is an entry in ClinVar:

NM_172351.3(CD46):c.737T>G (p.Phe246Cys)

Gene: CD46 (CD46 molecule; plus strand). Cytogenetic location: 1q32.2.
Variant type: single nucleotide variant.
Coding change: c.737T>G on transcript NM_172351.3 (MANE Select); coding-DNA position 737, T replaced by G.
Protein change: p.Phe246Cys; replaces phenylalanine 246 with cysteine.
Molecular consequence: missense variant.
Genome position (GRCh38, 1-based): chr1:207,767,076, T>G. VCF-style: chr1-207767076-T-G. GRCh37 (hg19) VCF-style: chr1-207940421-T-G.
Other names: c.737T>G, p.Phe246Cys (NM_002389.4, NM_153826.4, NM_172350.3 and 8 more transcripts); short protein forms F246C.
Identifiers: ClinVar variation 3066170 (VCV003066170.1), dbSNP rs909675840, ClinGen allele CA36674033.
Genomic context (GRCh38, chr1:207,767,076, plus strand): 5'-TCAAATGTCGATTTCCAGTAGTCGAAAATGGAAAACAGATATCAGGATTTGGAAAAAAAT[T>G]TTACTACAAAGCAACAGTTATGTTTGAATGCGATAAGGGTTTTTACCTCGATGGCAGCGA-3'
Protein context (NP_758861.1, residues 236-256): GKQISGFGKK[Phe246Cys]YYKATVMFEC

ClinVar aggregate classification (germline): Uncertain significance (1 of 4 stars; one submission).

Conditions:
Atypical hemolytic-uremic syndrome with MCP/CD46 anomaly. Also called: HEMOLYTIC UREMIC SYNDROME, ATYPICAL, SUSCEPTIBILITY TO, 2; AHUS, SUSCEPTIBILITY TO, 2. Identifiers: Orphanet 2134, MedGen C2752040, MONDO:0013040, OMIM 612922.

Allele frequency attached by ClinVar (database versions not stated): gnomAD exomes below 0.00001; TOPMed below 0.00001; gnomAD 0.00001.
gnomAD v4.1: 2 of 1,613,722 alleles (0.00012%); highest among the groups gnomAD compares: Non-Finnish European, 0.00017%; no homozygotes.

Submission:

MVZ Medizinische Genetik Mainz
Classification: Uncertain significance for Atypical hemolytic-uremic syndrome with MCP/CD46 anomaly. Last evaluated: 2024-02-07. Review status: criteria provided, single submitter. Criteria: UK Practice Guidelines For Variant Classification V4 01 2020. Collection method: clinical testing. Allele origin: germline. Inheritance: Autosomal dominant inheritance. Affected: yes. Observed: 2 variant alleles.
Comment: ACMG Criteria: PM5,PM1_SUP,PM2_SUP,PP4